The following is an entry in ClinVar:

NM_182961.4(SYNE1):c.10624T>G (p.Cys3542Gly)

Gene: SYNE1 (spectrin repeat containing nuclear envelope protein 1; minus strand). Cytogenetic location: 6q25.2.
Variant type: single nucleotide variant.
Coding change: c.10624T>G on transcript NM_182961.4 (MANE Select); coding-DNA position 10624, T replaced by G.
Protein change: p.Cys3542Gly; replaces cysteine 3542 with glycine.
Molecular consequence: missense variant.
Genome position (GRCh38, 1-based): chr6:152,354,961, A>C on the plus strand (T>G on the coding strand, the complement: SYNE1 is on the minus strand). VCF-style: chr6-152354961-A-C. GRCh37 (hg19) VCF-style: chr6-152676096-A-C.
Other names: c.10645T>G, p.Cys3549Gly (NM_033071.5); short protein forms C3542G, C3549G.
Identifiers: ClinVar variation 2436593 (VCV002436593.4), dbSNP rs751032216, ClinGen allele CA366125922.

ClinVar aggregate classification (germline): Uncertain significance. Review status: criteria provided, multiple submitters, no conflicts (2 of 4 stars). 2 submissions from 2 submitters: Uncertain significance (2). Last evaluated 2025-09-21.

Conditions:
Emery-Dreifuss muscular dystrophy 4, autosomal dominant (EDMD4). Also called: EMERY-DREIFUSS MUSCULAR DYSTROPHY 4 WITH VARIABLE FEATURES. Identifiers: Orphanet 261, MedGen C2751807, MONDO:0013071, OMIM 612998.
Autosomal recessive ataxia, Beauce type. Also called: ATAXIA, RECESSIVE, OF BEAUCE; SYNE1 Deficiency; Spinocerebellar ataxia, autosomal recessive 8; SYNE1-Related Autosomal Recessive Cerebellar Ataxia. Identifiers: Orphanet 88644, MedGen C1853116, MONDO:0012549, OMIM 610743.

Allele frequency attached by ClinVar (database versions not stated): gnomAD 0.00001.
gnomAD v4.1: 12 of 1,613,918 alleles (0.00074%); highest among the groups gnomAD compares: African/African-American, 0.0013%; no homozygotes.

Submissions (2):

Labcorp Genetics (formerly Invitae), Labcorp
Classification: Uncertain significance for Emery-Dreifuss muscular dystrophy 4, autosomal dominant; Autosomal recessive ataxia, Beauce type. Last evaluated: 2025-09-21. Review status: criteria provided, single submitter. Criteria: Invitae Variant Classification Sherloc (09022015). Collection method: clinical testing. Allele origin: germline.
Comment: This sequence change replaces cysteine, which is neutral and slightly polar, with glycine, which is neutral and non-polar, at codon 3549 of the SYNE1 protein (p.Cys3549Gly). This variant is not present in population databases (gnomAD no frequency). This variant has not been reported in the literature in individuals affected with SYNE1-related conditions. ClinVar contains an entry for this variant (Variation ID: 2436593). An algorithm developed to predict the effect of missense changes on protein structure and function (PolyPhen-2) suggests that this variant is likely to be disruptive. In summary, the available evidence is currently insufficient to determine the role of this variant in disease. Therefore, it has been classified as a Variant of Uncertain Significance.

Revvity Omics, Revvity
Classification: Uncertain significance. Last evaluated: 2019-09-16. Review status: criteria provided, single submitter. Criteria: ACMG Guidelines, 2015. Collection method: clinical testing. Allele origin: germline.